The following is an entry in ClinVar:

ClinVar aggregate classification (germline): Pathogenic (1 of 4 stars; one submission).

Conditions:
Hereditary cancer-predisposing syndrome. Also called: Neoplastic Syndromes, Hereditary; Tumor predisposition; Hereditary Cancer Syndrome; Hereditary neoplastic syndrome. Identifiers: Orphanet 140162, MedGen C0027672, MeSH D009386, MONDO:0015356.

Submission:

Ambry Genetics
Classification: Pathogenic for Hereditary cancer-predisposing syndrome. Last evaluated: 2026-04-28. Review status: criteria provided, single submitter. Criteria: Ambry Variant Classification Scheme 2023. Collection method: clinical testing. Allele origin: germline.
Comment: The c.946delG variant, located in coding exon 6 of the CTNNA1 gene, results from a deletion of one nucleotide at nucleotide position 946, causing a translational frameshift with a predicted alternate stop codon (p.A316Lfs*3). This variant is considered to be rare based on population cohorts in the Genome Aggregation Database (gnomAD). This alteration is expected to result in loss of function by premature protein truncation or nonsense-mediated mRNA decay. As such, this alteration is interpreted as a disease-causing mutation.

NM_001903.5(CTNNA1):c.946del (p.Ala316fs)

Gene: CTNNA1 (catenin alpha 1; plus strand). Cytogenetic location: 5q31.2.
Variant type: Deletion.
Coding change: c.946del on transcript NM_001903.5 (MANE Select); coding-DNA position 946, one base deleted (G; older notation c.946delG).
Protein change: p.Ala316fs; shifts the reading frame from alanine 316.
Molecular consequence: frameshift variant.
Genome position (GRCh38, 1-based): chr5:138,827,602, G deleted; the last of 4 consecutive G bases (chr5:138,827,599-138,827,602); deleting any one gives the same sequence. VCF-style (leftmost placement, unchanged base first): chr5-138827598-TG-T. GRCh37 (hg19) VCF-style: chr5-138163287-TG-T.
Other names: c.946del, p.Ala316fs (NM_001290307.3, NM_001323982.2, NM_001323983.1 and 3 more transcripts); c.637del, p.Ala213fs (NM_001290309.3); c.577del, p.Ala193fs (NM_001290310.3); short protein forms A193fs, A213fs, A316fs.
Identifiers: ClinVar variation 4869477 (VCV004869477.1).